The following is an entry in ClinVar:

NM_174912.4(FAAH2):c.877A>C (p.Arg293=)

Gene: FAAH2 (fatty acid amide hydrolase 2; plus strand). Cytogenetic location: Xp11.21.
Variant type: single nucleotide variant.
Coding change: c.877A>C on transcript NM_174912.4 (MANE Select); coding-DNA position 877, A replaced by C.
Protein change: p.Arg293=; no amino-acid change (arginine 293 retained).
Molecular consequence: synonymous variant. On other transcripts: non-coding transcript variant (2).
Genome position (GRCh38, 1-based): chrX:57,378,785, A>C. VCF-style: chrX-57378785-A-C. GRCh37 (hg19) VCF-style: chrX-57405218-A-C.
Other names: c.877A>C, p.Arg293= (NM_001353840.1); c.667A>C, p.Arg223= (NM_001353841.1).
Identifiers: ClinVar variation 2660719 (VCV002660719.24), dbSNP rs202011260, ClinGen allele CA10430754.

ClinVar aggregate classification (germline): Likely benign (1 of 4 stars; one submission).

Allele frequency attached by ClinVar (database versions not stated): ExAC 0.00020; 1000 Genomes Project 30x 0.00021; 1000 Genomes Project 0.00026.
gnomAD v4.1: 46 of 1,202,045 alleles (0.0038%); highest among the groups gnomAD compares: East Asian, 0.075%; 1 homozygote.

Submission:

CeGaT Center for Human Genetics Tuebingen
Classification: Likely benign. Last evaluated: 2023-02-01. Review status: criteria provided, single submitter. Criteria: CeGaT Center For Human Genetics Tuebingen Variant Classification Criteria Version 2. Collection method: clinical testing. Allele origin: germline. Affected: yes. Observed: 1 variant allele.
Comment: FAAH2: BP4, BP7, BS2